The following is an entry in ClinVar:

ClinVar aggregate classification (germline): Uncertain significance (1 of 4 stars; one submission).

Conditions:
Autosomal dominant nocturnal frontal lobe epilepsy 5. Also called: Epilepsy, nocturnal frontal lobe, 5; CILIARY DYSKINESIA, PRIMARY, 28, WITHOUT SITUS INVERSUS; CILIARY DYSKINESIA, PRIMARY, 28, WITH SITUS INVERSUS; KCNT1-Related Epilepsy. Identifiers: Orphanet 98784, MedGen C3554306, MONDO:0014002, OMIM 615005.
Developmental and epileptic encephalopathy, 14 (DEE14). Also called: Early infantile epileptic encephalopathy 14. Identifiers: Orphanet 293181, MedGen C3554195, MONDO:0013989, OMIM 614959.

Submission:

Labcorp Genetics (formerly Invitae), Labcorp
Classification: Uncertain significance for Autosomal dominant nocturnal frontal lobe epilepsy 5; Developmental and epileptic encephalopathy, 14. Last evaluated: 2023-04-15. Review status: criteria provided, single submitter. Criteria: Invitae Variant Classification Sherloc (09022015). Collection method: clinical testing. Allele origin: germline.
Comment: This sequence change replaces tryptophan, which is neutral and slightly polar, with glycine, which is neutral and non-polar, at codon 549 of the KCNT1 protein (p.Trp549Gly). This variant is not present in population databases (gnomAD no frequency). This variant has not been reported in the literature in individuals affected with KCNT1-related conditions. ClinVar contains an entry for this variant (Variation ID: 566244). Advanced modeling of protein sequence and biophysical properties (such as structural, functional, and spatial information, amino acid conservation, physicochemical variation, residue mobility, and thermodynamic stability) performed at Invitae indicates that this missense variant is expected to disrupt KCNT1 protein function. In summary, the available evidence is currently insufficient to determine the role of this variant in disease. Therefore, it has been classified as a Variant of Uncertain Significance.

NM_020822.3(KCNT1):c.1645T>G (p.Trp549Gly)

Gene: KCNT1 (potassium sodium-activated channel subfamily T member 1; plus strand). Cytogenetic location: 9q34.3.
Variant type: single nucleotide variant.
Coding change: c.1645T>G on transcript NM_020822.3 (MANE Select); coding-DNA position 1645, T replaced by G.
Protein change: p.Trp549Gly; replaces tryptophan 549 with glycine.
Molecular consequence: missense variant.
Genome position (GRCh38, 1-based): chr9:135,770,323, T>G. VCF-style: chr9-135770323-T-G. GRCh37 (hg19) VCF-style: chr9-138662169-T-G.
Other names: c.1510T>G, p.Trp504Gly (NM_001272003.2); short protein forms W549G, W504G.
Identifiers: ClinVar variation 566244 (VCV000566244.9), dbSNP rs1564370162, ClinGen allele CA375506213.